The following is an entry in ClinVar:

NM_018136.5(ASPM):c.10279A>G (p.Ile3427Val)

Gene: ASPM (assembly factor for spindle microtubules; minus strand). Cytogenetic location: 1q31.3.
Variant type: single nucleotide variant.
Coding change: c.10279A>G on transcript NM_018136.5 (MANE Select); coding-DNA position 10279, A replaced by G.
Protein change: p.Ile3427Val; replaces isoleucine 3427 with valine.
Molecular consequence: missense variant.
Genome position (GRCh38, 1-based): chr1:197,086,855, T>C on the plus strand (A>G on the coding strand, the complement: ASPM is on the minus strand). VCF-style: chr1-197086855-T-C. GRCh37 (hg19) VCF-style: chr1-197055985-T-C.
Other names: c.5524A>G, p.Ile1842Val (NM_001206846.2); short protein forms I3427V, I1842V.
Identifiers: ClinVar variation 294593 (VCV000294593.10), dbSNP rs886045758, ClinGen allele CA1308752.

ClinVar aggregate classification (germline): Uncertain significance. Review status: criteria provided, multiple submitters, no conflicts (2 of 4 stars). 3 submissions from 3 submitters: Uncertain significance (3). Last evaluated 2023-04-11.

Conditions:
Microcephaly 5, primary, autosomal recessive (MCPH5). Also called: ASPM Primary Microcephaly. Identifiers: Orphanet 2512, MedGen C1837501, MONDO:0012106, OMIM 608716.

Allele frequency attached by ClinVar (database versions not stated): ExAC 0.00002; gnomAD exomes 0.00002 and 0.00004; gnomAD 0.00003 and 0.00004; TOPMed 0.00003.
gnomAD v4.1: 62 of 1,611,990 alleles (0.0038%); highest among the groups gnomAD compares: Non-Finnish European, 0.0049%; no homozygotes.

Submissions (3):

Genome-Nilou Lab
Classification: Uncertain significance for Microcephaly 5, primary, autosomal recessive. Last evaluated: 2023-04-11. Review status: criteria provided, single submitter. Criteria: ACMG Guidelines, 2015. Collection method: clinical testing. Allele origin: germline. Affected: no.

Labcorp Genetics (formerly Invitae), Labcorp
Classification: Uncertain significance. Last evaluated: 2022-05-21. Review status: criteria provided, single submitter. Criteria: Invitae Variant Classification Sherloc (09022015). Collection method: clinical testing. Allele origin: germline.
Comment: In summary, the available evidence is currently insufficient to determine the role of this variant in disease. Therefore, it has been classified as a Variant of Uncertain Significance. Algorithms developed to predict the effect of sequence changes on RNA splicing suggest that this variant may create or strengthen a splice site. Algorithms developed to predict the effect of missense changes on protein structure and function output the following: SIFT: "Tolerated"; PolyPhen-2: "Benign"; Align-GVGD: "Class C0". The valine amino acid residue is found in multiple mammalian species, which suggests that this missense change does not adversely affect protein function. ClinVar contains an entry for this variant (Variation ID: 294593). This variant has not been reported in the literature in individuals affected with ASPM-related conditions. This variant is present in population databases (no rsID available, gnomAD 0.005%). This sequence change replaces isoleucine, which is neutral and non-polar, with valine, which is neutral and non-polar, at codon 3427 of the ASPM protein (p.Ile3427Val).

Illumina Laboratory Services, Illumina
Classification: Uncertain significance for Microcephaly 5, primary, autosomal recessive. Last evaluated: 2018-01-13. Review status: criteria provided, single submitter. Criteria: ICSL Variant Classification Criteria 13 December 2019. Collection method: clinical testing. Allele origin: germline.